The following is an entry in ClinVar:

NM_001142800.2(EYS):c.9379A>G (p.Ile3127Val)

Genes: EYS (EGF-like photoreceptor maintenance factor; minus strand), PHF3 (PHD finger protein 3; plus strand). Cytogenetic location: 6q12.
Variant type: single nucleotide variant.
Coding change: c.9379A>G on transcript NM_001142800.2 (MANE Select); coding-DNA position 9379, A replaced by G.
Protein change: p.Ile3127Val; replaces isoleucine 3127 with valine.
Molecular consequence: missense variant. On other transcripts: 3 prime UTR variant (5).
Genome position (GRCh38, 1-based): chr6:63,720,652, T>C on the plus strand (A>G on the coding strand, the complement: EYS is on the minus strand). VCF-style: chr6-63720652-T-C. GRCh37 (hg19) VCF-style: chr6-64430548-T-C.
Other names: c.*6944T>C (NM_001290259.2, NM_001370348.2, NM_001370349.2 and 2 more transcripts); c.9442A>G, p.Ile3148Val (NM_001292009.2); short protein forms I3148V, I3127V.
Identifiers: ClinVar variation 2127240 (VCV002127240.4), dbSNP rs1768338166, ClinGen allele CA364382611.

ClinVar aggregate classification (germline): Uncertain significance (1 of 4 stars; one submission).

Allele frequency attached by ClinVar (database versions not stated): gnomAD exomes below 0.00001; TOPMed below 0.00001.
gnomAD v4.1: 2 of 1,532,788 alleles (0.00013%); highest among the groups gnomAD compares: Non-Finnish European, 0.00018%; no homozygotes.

Submission:

Labcorp Genetics (formerly Invitae), Labcorp
Classification: Uncertain significance. Last evaluated: 2022-04-17. Review status: criteria provided, single submitter. Criteria: Invitae Variant Classification Sherloc (09022015). Collection method: clinical testing. Allele origin: germline.
Comment: In summary, the available evidence is currently insufficient to determine the role of this variant in disease. Therefore, it has been classified as a Variant of Uncertain Significance. Algorithms developed to predict the effect of missense changes on protein structure and function (SIFT, PolyPhen-2, Align-GVGD) all suggest that this variant is likely to be tolerated. This variant has not been reported in the literature in individuals affected with EYS-related conditions. This variant is not present in population databases (gnomAD no frequency). This sequence change replaces isoleucine, which is neutral and non-polar, with valine, which is neutral and non-polar, at codon 3127 of the EYS protein (p.Ile3127Val).